The following is an entry in ClinVar:

ClinVar aggregate classification (germline): Likely benign. Review status: criteria provided, single submitter (1 of 4 stars). 2 submissions from 2 submitters: Likely benign (1). 1 of the submissions does not count toward it. Last evaluated 2024-10-08.

Conditions:
Spermatogenic failure 18. Identifiers: MedGen C4539783, MONDO:0054615, OMIM 617576.
Ciliary dyskinesia, primary, 37 (CILD37). Also called: CILIARY DYSKINESIA, PRIMARY, 37, WITH OR WITHOUT SITUS INVERSUS. Identifiers: MedGen C4539798, MONDO:0033204, OMIM 617577.
DNAH1-related disorder. Also called: DNAH1-related condition.

Allele frequency attached by ClinVar (database versions not stated): gnomAD 0.00001; TOPMed 0.00001; ExAC 0.00002.

Submissions (2):

Labcorp Genetics (formerly Invitae), Labcorp
Classification: Likely benign for Ciliary dyskinesia, primary, 37; Spermatogenic failure 18. Last evaluated: 2024-10-08. Review status: criteria provided, single submitter. Criteria: Invitae Variant Classification Sherloc (09022015). Collection method: clinical testing. Allele origin: germline.

PreventionGenetics, part of Exact Sciences
Classification: Likely benign for DNAH1-related condition. Last evaluated: 2019-09-16. Review status: no assertion criteria provided. Collection method: clinical testing. Allele origin: germline. Not counted in ClinVar's aggregate classification.
Comment: This variant is classified as likely benign based on ACMG/AMP sequence variant interpretation guidelines (Richards et al. 2015 PMID: 25741868, with internal and published modifications).

NM_015512.5(DNAH1):c.7800G>A (p.Ser2600=)

Gene: DNAH1 (dynein axonemal heavy chain 1; plus strand). Cytogenetic location: 3p21.1.
Variant type: single nucleotide variant.
Coding change: c.7800G>A on transcript NM_015512.5 (MANE Select); coding-DNA position 7800, G replaced by A.
Protein change: p.Ser2600=; no amino-acid change (serine 2600 retained).
Molecular consequence: synonymous variant.
Genome position (GRCh38, 1-based): chr3:52,381,831, G>A. VCF-style: chr3-52381831-G-A. GRCh37 (hg19) VCF-style: chr3-52415847-G-A.
Identifiers: ClinVar variation 3040687 (VCV003040687.4), dbSNP rs760717575, ClinGen allele CA2434973.